The following is an entry in ClinVar:

NM_002972.4(SBF1):c.3353T>C (p.Met1118Thr)

Gene: SBF1 (SET binding factor 1; minus strand). Cytogenetic location: 22q13.33.
Variant type: single nucleotide variant.
Coding change: c.3353T>C on transcript NM_002972.4 (MANE Select); coding-DNA position 3353, T replaced by C.
Protein change: p.Met1118Thr; replaces methionine 1118 with threonine.
Molecular consequence: missense variant.
Genome position (GRCh38, 1-based): chr22:50,460,090, A>G on the plus strand (T>C on the coding strand, the complement: SBF1 is on the minus strand). VCF-style: chr22-50460090-A-G. GRCh37 (hg19) VCF-style: chr22-50898519-A-G.
Other names: c.3356T>C, p.Met1119Thr (NM_001365819.1, NM_001410794.1); c.3353T>C, p.Met1118Thr (NM_001410795.1, NM_197971.1); c.3353T>C (NM_002972.2); short protein forms M1119T, M1118T.
Identifiers: ClinVar variation 2057210 (VCV002057210.2), dbSNP rs371928484, ClinGen allele CA10316745.

ClinVar aggregate classification (germline): Uncertain significance. Review status: criteria provided, multiple submitters, no conflicts (2 of 4 stars). 2 submissions from 2 submitters: Uncertain significance (2). Last evaluated 2024-06-11.

Allele frequency attached by ClinVar (database versions not stated): gnomAD exomes 0.00002; ExAC 0.00005; ESP Exome Variant Server 0.00008; TOPMed 0.00008; gnomAD 0.00011.

Submissions (2):

Ambry Genetics
Classification: Uncertain significance. Last evaluated: 2024-06-11. Review status: criteria provided, single submitter. Criteria: Ambry Variant Classification Scheme 2023. Collection method: clinical testing. Allele origin: germline.

Labcorp Genetics (formerly Invitae), Labcorp
Classification: Uncertain significance. Last evaluated: 2022-07-08. Review status: criteria provided, single submitter. Criteria: Invitae Variant Classification Sherloc (09022015). Collection method: clinical testing. Allele origin: germline.
Comment: This sequence change replaces methionine, which is neutral and non-polar, with threonine, which is neutral and polar, at codon 1118 of the SBF1 protein (p.Met1118Thr). This variant is present in population databases (rs371928484, gnomAD 0.06%). This variant has not been reported in the literature in individuals affected with SBF1-related conditions. Algorithms developed to predict the effect of missense changes on protein structure and function are either unavailable or do not agree on the potential impact of this missense change (SIFT: "Deleterious"; PolyPhen-2: "Benign"; Align-GVGD: "Class C0"). In summary, the available evidence is currently insufficient to determine the role of this variant in disease. Therefore, it has been classified as a Variant of Uncertain Significance.